The following is an entry in ClinVar:

NM_004046.6(ATP5F1A):c.1429+19C>A

Gene: ATP5F1A (ATP synthase F1 subunit alpha; minus strand). Cytogenetic location: 18q21.1.
Variant type: single nucleotide variant.
Coding change: c.1429+19C>A on transcript NM_004046.6 (MANE Select); 19 bases into the intron after coding-DNA position 1429, C replaced by A.
Molecular consequence: intron variant.
Genome position (GRCh38, 1-based): chr18:46,086,094, G>T on the plus strand (C>A on the coding strand, the complement: ATP5F1A is on the minus strand). VCF-style: chr18-46086094-G-T. GRCh37 (hg19) VCF-style: chr18-43666060-G-T.
Other names: c.1429+19C>A (NM_001001937.2); c.1363+19C>A (NM_001257334.2); c.1279+19C>A (NM_001001935.3, NM_001257335.2).
Identifiers: ClinVar variation 382982 (VCV000382982.11), dbSNP rs117126269, ClinGen allele CA8950569.

ClinVar aggregate classification (germline): Benign/Likely benign. Review status: criteria provided, multiple submitters, no conflicts (2 of 4 stars). 3 submissions from 3 submitters: Benign (1); Likely benign (2). Last evaluated 2026-01-19.

Allele frequency attached by ClinVar (database versions not stated): 1000 Genomes Project 0.00240; 1000 Genomes Project 30x 0.00265; gnomAD 0.00414 and 0.00423; TOPMed 0.00416; ESP Exome Variant Server 0.00561.
gnomAD v4.1: 8,958 of 1,609,920 alleles (0.56%); highest among the groups gnomAD compares: Middle Eastern, 1.6%; 41 homozygotes.

Submissions (3):

Labcorp Genetics (formerly Invitae), Labcorp
Classification: Benign. Last evaluated: 2026-01-19. Review status: criteria provided, single submitter. Criteria: Invitae Variant Classification Sherloc (09022015). Collection method: clinical testing. Allele origin: germline.

GeneDx
Classification: Likely benign. Last evaluated: 2017-07-18. Review status: criteria provided, single submitter. Criteria: GeneDx Variant Classification (06012015). Collection method: clinical testing. Allele origin: germline. Affected: yes.
Comment: This variant is considered likely benign or benign based on one or more of the following criteria: it is a conservative change, it occurs at a poorly conserved position in the protein, it is predicted to be benign by multiple in silico algorithms, and/or has population frequency not consistent with disease.

Breakthrough Genomics
Classification: Likely benign. Review status: criteria provided, single submitter. Criteria: ACMG Guidelines, 2015. Collection method: not provided. Allele origin: germline. Inheritance: Autosomal recessive inheritance. Affected: yes.